The following is an entry in ClinVar:

ClinVar aggregate classification (germline): Uncertain significance (1 of 4 stars; one submission).

gnomAD v4.1: 4 of 1,613,968 alleles (0.00025%); highest among the groups gnomAD compares: African/African-American, 0.0027%; no homozygotes.

Submission:

Labcorp Genetics (formerly Invitae), Labcorp
Classification: Uncertain significance. Last evaluated: 2024-01-06. Review status: criteria provided, single submitter. Criteria: Invitae Variant Classification Sherloc (09022015). Collection method: clinical testing. Allele origin: germline.
Comment: This sequence change replaces arginine, which is basic and polar, with cysteine, which is neutral and slightly polar, at codon 462 of the C3 protein (p.Arg462Cys). This variant is not present in population databases (gnomAD no frequency). This variant has not been reported in the literature in individuals affected with C3-related conditions. Advanced modeling of protein sequence and biophysical properties (such as structural, functional, and spatial information, amino acid conservation, physicochemical variation, residue mobility, and thermodynamic stability) performed at Invitae indicates that this missense variant is expected to disrupt C3 protein function with a positive predictive value of 80%. In summary, the available evidence is currently insufficient to determine the role of this variant in disease. Therefore, it has been classified as a Variant of Uncertain Significance.

NM_000064.4(C3):c.1384C>T (p.Arg462Cys)

Gene: C3 (complement C3; minus strand). Cytogenetic location: 19p13.3.
Variant type: single nucleotide variant.
Coding change: c.1384C>T on transcript NM_000064.4 (MANE Select); coding-DNA position 1384, C replaced by T.
Protein change: p.Arg462Cys; replaces arginine 462 with cysteine.
Molecular consequence: missense variant.
Genome position (GRCh38, 1-based): chr19:6,711,082, G>A on the plus strand (C>T on the coding strand, the complement: C3 is on the minus strand). VCF-style: chr19-6711082-G-A. GRCh37 (hg19) VCF-style: chr19-6711093-G-A.
Other names: short protein forms R462C.
Identifiers: ClinVar variation 2983009 (VCV002983009.3), dbSNP rs1406717691, ClinGen allele CA403641000.